The following is an entry in ClinVar:

ClinVar aggregate classification (germline): Benign/Likely benign. Review status: criteria provided, multiple submitters, no conflicts (2 of 4 stars). 4 submissions from 4 submitters: Benign (1); Likely benign (3). Last evaluated 2025-11-13.

Conditions:
Hereditary cancer-predisposing syndrome. Also called: Hereditary neoplastic syndrome; Neoplastic Syndromes, Hereditary; Tumor predisposition; Hereditary Cancer Syndrome. Identifiers: Orphanet 140162, MedGen C0027672, MeSH D009386, MONDO:0015356.
Tuberous sclerosis syndrome (TSC). Also called: Tuberous Sclerosis Complex; Tuberous sclerosis. Identifiers: Orphanet 805, MedGen C0041341, MONDO:0001734.
Tuberous sclerosis 1 (TSC1). Identifiers: Orphanet 805, MedGen C1854465, MONDO:0008612, OMIM 191100.

Allele frequency attached by ClinVar (database versions not stated): gnomAD exomes below 0.00001.
gnomAD v4.1: 2 of 1,614,170 alleles (0.00012%); highest among the groups gnomAD compares: Admixed American, 0.0017%; no homozygotes.

Submissions (4):

Labcorp Genetics (formerly Invitae), Labcorp
Classification: Likely benign for Tuberous sclerosis 1. Last evaluated: 2025-11-13. Review status: criteria provided, single submitter. Criteria: Invitae Variant Classification Sherloc (09022015). Collection method: clinical testing. Allele origin: germline.

Myriad Genetics, Inc.
Classification: Benign for Tuberous sclerosis 1. Last evaluated: 2025-04-28. Review status: criteria provided, single submitter. Criteria: Myriad Autosomal Dominant, Autosomal Recessive and X-Linked Classification Criteria (2023). Collection method: clinical testing. Allele origin: unknown.
Comment: This variant is considered benign. This variant is a silent/synonymous amino acid change and it is not expected to impact splicing.

Color Diagnostics, LLC DBA Color Health
Classification: Likely benign for Tuberous sclerosis syndrome. Last evaluated: 2022-11-06. Review status: criteria provided, single submitter. Criteria: ACMG Guidelines, 2015. Collection method: clinical testing. Allele origin: germline.

Ambry Genetics
Classification: Likely benign for Hereditary cancer-predisposing syndrome. Last evaluated: 2022-03-19. Review status: criteria provided, single submitter. Criteria: Ambry Variant Classification Scheme 2023. Collection method: clinical testing. Allele origin: germline.

NM_000368.5(TSC1):c.2613A>G (p.Ser871=)

Gene: TSC1 (TSC complex subunit 1; minus strand). Cytogenetic location: 9q34.13.
Variant type: single nucleotide variant.
Coding change: c.2613A>G on transcript NM_000368.5 (MANE Select); coding-DNA position 2613, A replaced by G.
Protein change: p.Ser871=; no amino-acid change (serine 871 retained).
Molecular consequence: synonymous variant.
Genome position (GRCh38, 1-based): chr9:132,900,727, T>C on the plus strand (A>G on the coding strand, the complement: TSC1 is on the minus strand). VCF-style: chr9-132900727-T-C. GRCh37 (hg19) VCF-style: chr9-135776114-T-C.
Other names: c.2610A>G, p.Ser870= (NM_001162426.2); c.2460A>G, p.Ser820= (NM_001162427.2); c.2250A>G, p.Ser750= (NM_001362177.2).
Identifiers: ClinVar variation 466086 (VCV000466086.13), dbSNP rs1031508405, ClinGen allele CA200929047.